The following is an entry in ClinVar:

NM_018979.4(WNK1):c.6175A>G (p.Met2059Val)

Gene: WNK1 (WNK lysine deficient protein kinase 1; plus strand). Cytogenetic location: 12p13.33.
Variant type: single nucleotide variant.
Coding change: c.6175A>G on transcript NM_018979.4 (MANE Select); coding-DNA position 6175, A replaced by G.
Protein change: p.Met2059Val; replaces methionine 2059 with valine.
Molecular consequence: missense variant.
Genome position (GRCh38, 1-based): chr12:896,662, A>G. VCF-style: chr12-896662-A-G. GRCh37 (hg19) VCF-style: chr12-1005828-A-G.
Other names: c.6955A>G, p.Met2319Val (NM_001184985.2); c.5431A>G, p.Met1811Val (NM_014823.3); c.6931A>G, p.Met2311Val (NM_213655.5); short protein forms M1811V, M2059V, M2311V, M2319V.
Identifiers: ClinVar variation 1023902 (VCV001023902.34), dbSNP rs1298904248, ClinGen allele CA383336838.

ClinVar aggregate classification (germline): Uncertain significance. Review status: criteria provided, multiple submitters, no conflicts (2 of 4 stars). 3 submissions from 3 submitters: Uncertain significance (3). Last evaluated 2024-05-27.

Conditions:
Neuropathy, hereditary sensory and autonomic, type 2A (HSAN2A). Also called: HSAN IIA; ACROOSTEOLYSIS, GIACCAI TYPE; ACROOSTEOLYSIS, NEUROGENIC; WNK1-Related HSAN2 (HSAN2A); MORVAN DISEASE; NEUROPATHY, CONGENITAL SENSORY. Identifiers: Orphanet 970, MedGen C2752089, MONDO:0024309, OMIM 201300.
Pseudohypoaldosteronism type 2C (PHA2C). Also called: Pseudohypoaldosteronism Type IIC. Identifiers: Orphanet 757, Orphanet 88940, MedGen C1840391, MONDO:0013778, OMIM 614492.

Allele frequency attached by ClinVar (database versions not stated): gnomAD exomes below 0.00001.
gnomAD v4.1: 5 of 1,610,290 alleles (0.00031%); highest among the groups gnomAD compares: East Asian, 0.0022%; no homozygotes.

Submissions (3):

Fulgent Genetics
Classification: Uncertain significance for Neuropathy, hereditary sensory and autonomic, type 2A; Pseudohypoaldosteronism type 2C. Last evaluated: 2024-05-27. Review status: criteria provided, single submitter. Criteria: ACMG Guidelines, 2015. Collection method: clinical testing. Allele origin: germline.

Labcorp Genetics (formerly Invitae), Labcorp
Classification: Uncertain significance for Neuropathy, hereditary sensory and autonomic, type 2A; Pseudohypoaldosteronism type 2C. Last evaluated: 2023-09-30. Review status: criteria provided, single submitter. Criteria: Invitae Variant Classification Sherloc (09022015). Collection method: clinical testing. Allele origin: germline.
Comment: This variant has not been reported in the literature in individuals affected with WNK1-related conditions. This sequence change replaces methionine, which is neutral and non-polar, with valine, which is neutral and non-polar, at codon 2311 of the WNK1 protein (p.Met2311Val). This variant is not present in population databases (gnomAD no frequency). ClinVar contains an entry for this variant (Variation ID: 1023902). Advanced modeling of protein sequence and biophysical properties (such as structural, functional, and spatial information, amino acid conservation, physicochemical variation, residue mobility, and thermodynamic stability) performed at Invitae indicates that this missense variant is not expected to disrupt WNK1 protein function. In summary, the available evidence is currently insufficient to determine the role of this variant in disease. Therefore, it has been classified as a Variant of Uncertain Significance.

CeGaT Center for Human Genetics Tuebingen
Classification: Uncertain significance. Last evaluated: 2022-08-01. Review status: criteria provided, single submitter. Criteria: CeGaT Center For Human Genetics Tuebingen Variant Classification Criteria Version 2. Collection method: clinical testing. Allele origin: germline. Affected: yes. Observed: 1 variant allele.
Comment: WNK1: PM2, BP1